The following is an entry in ClinVar:

NM_005660.3(SLC35A2):c.802A>T (p.Thr268Ser)

Gene: SLC35A2 (solute carrier family 35 member A2; minus strand). Cytogenetic location: Xp11.23.
Variant type: single nucleotide variant.
Coding change: c.802A>T on transcript NM_005660.3 (MANE Select); coding-DNA position 802, A replaced by T.
Protein change: p.Thr268Ser; replaces threonine 268 with serine.
Molecular consequence: missense variant. On other transcripts: intron variant (3).
Genome position (GRCh38, 1-based): chrX:48,905,107, T>A on the plus strand (A>T on the coding strand, the complement: SLC35A2 is on the minus strand). VCF-style: chrX-48905107-T-A. GRCh37 (hg19) VCF-style: chrX-48762384-T-A.
Other names: c.802A>T, p.Thr268Ser (NM_001042498.3); c.619A>T, p.Thr207Ser (NM_001282649.2); c.841A>T, p.Thr281Ser (NM_001282650.2); c.886A>T, p.Thr296Ser (NM_001282651.2); c.427-215A>T (NM_001282647.2, NM_001032289.3); c.355-215A>T (NM_001282648.2); short protein forms T268S, T281S, T207S, T296S.
Identifiers: ClinVar variation 4741856 (VCV004741856.1).

ClinVar aggregate classification (germline): Uncertain significance (1 of 4 stars; one submission).

Conditions:
SLC35A2-congenital disorder of glycosylation. Also called: SLC35A2-CDG; CONGENITAL DISORDER OF GLYCOSYLATION, TYPE IIm, SOMATIC MOSAIC; EPILEPTIC ENCEPHALOPATHY, EARLY INFANTILE, 22; DEVELOPMENTAL AND EPILEPTIC ENCEPHALOPATHY 22; CONGENITAL DISORDER OF GLYCOSYLATION, TYPE IIm; CDG IIm. Identifiers: Orphanet 356961, MedGen C3806688, MONDO:0010478, OMIM 300896.

Submission:

Labcorp Genetics (formerly Invitae), Labcorp
Classification: Uncertain significance for SLC35A2-congenital disorder of glycosylation. Last evaluated: 2025-11-25. Review status: criteria provided, single submitter. Criteria: Invitae Variant Classification Sherloc (09022015). Collection method: clinical testing. Allele origin: germline.
Comment: This sequence change replaces threonine, which is neutral and polar, with serine, which is neutral and polar, at codon 268 of the SLC35A2 protein (p.Thr268Ser). This variant is not present in population databases (gnomAD no frequency). This variant has not been reported in the literature in individuals affected with SLC35A2-related conditions. Invitae Evidence Modeling of protein sequence and biophysical properties (such as structural, functional, and spatial information, amino acid conservation, physicochemical variation, residue mobility, and thermodynamic stability) indicates that this missense variant is not expected to disrupt SLC35A2 protein function with a negative predictive value of 80%. In summary, the available evidence is currently insufficient to determine the role of this variant in disease. Therefore, it has been classified as a Variant of Uncertain Significance.